The following is an entry in ClinVar:

NM_005633.4(SOS1):c.577C>T (p.Pro193Ser)

Gene: SOS1 (SOS Ras/Rac guanine nucleotide exchange factor 1; minus strand). Cytogenetic location: 2p22.1.
Variant type: single nucleotide variant.
Coding change: c.577C>T on transcript NM_005633.4 (MANE Select); coding-DNA position 577, C replaced by T.
Protein change: p.Pro193Ser; replaces proline 193 with serine.
Molecular consequence: missense variant.
Genome position (GRCh38, 1-based): chr2:39,054,757, G>A on the plus strand (C>T on the coding strand, the complement: SOS1 is on the minus strand). VCF-style: chr2-39054757-G-A. GRCh37 (hg19) VCF-style: chr2-39281898-G-A.
Other names: c.556C>T, p.Pro186Ser (NM_001382394.1); c.577C>T, p.Pro193Ser (NM_001382395.1); short protein forms P186S, P193S.
Identifiers: ClinVar variation 3364734 (VCV003364734.1).

ClinVar aggregate classification (germline): Uncertain significance (1 of 4 stars; one submission).

Submission:

GeneDx
Classification: Uncertain significance. Last evaluated: 2023-11-27. Review status: criteria provided, single submitter. Criteria: GeneDx Variant Classification Process June 2021. Collection method: clinical testing. Allele origin: germline. Affected: yes.
Comment: Not observed at significant frequency in large population cohorts (gnomAD); Missense variants in this gene are a common cause of disease and they are underrepresented in the general population; In silico analysis supports that this missense variant has a deleterious effect on protein structure/function; Has not been previously published as pathogenic or benign to our knowledge; This variant is associated with the following publications: (PMID: 29493581)